The following is an entry in ClinVar:

ClinVar aggregate classification (germline): Uncertain significance (1 of 4 stars; one submission).

Conditions:
Maple syrup urine disease, mild variant (MSUDMV). Identifiers: Orphanet 511, MedGen C3554575, MONDO:0014057, OMIM 615135.

Submission:

Labcorp Genetics (formerly Invitae), Labcorp
Classification: Uncertain significance for Maple syrup urine disease, mild variant. Last evaluated: 2021-03-20. Review status: criteria provided, single submitter. Criteria: Invitae Variant Classification Sherloc (09022015). Collection method: clinical testing. Allele origin: germline.
Comment: In summary, the available evidence is currently insufficient to determine the role of this variant in disease. Therefore, it has been classified as a Variant of Uncertain Significance. Algorithms developed to predict the effect of missense changes on protein structure and function (SIFT, PolyPhen-2, Align-GVGD) all suggest that this variant is likely to be tolerated, but these predictions have not been confirmed by published functional studies and their clinical significance is uncertain. This variant has not been reported in the literature in individuals with PPM1K-related conditions. This variant is not present in population databases (ExAC no frequency). This sequence change replaces alanine with threonine at codon 325 of the PPM1K protein (p.Ala325Thr). The alanine residue is moderately conserved and there is a small physicochemical difference between alanine and threonine.

NM_152542.5(PPM1K):c.973G>A (p.Ala325Thr)

Gene: PPM1K (protein phosphatase, Mg2+/Mn2+ dependent 1K; minus strand). Cytogenetic location: 4q22.1.
Variant type: single nucleotide variant.
Coding change: c.973G>A on transcript NM_152542.5 (MANE Select); coding-DNA position 973, G replaced by A.
Protein change: p.Ala325Thr; replaces alanine 325 with threonine.
Molecular consequence: missense variant.
Genome position (GRCh38, 1-based): chr4:88,265,015, C>T on the plus strand (G>A on the coding strand, the complement: PPM1K is on the minus strand). VCF-style: chr4-88265015-C-T. GRCh37 (hg19) VCF-style: chr4-89186167-C-T.
Other names: short protein forms A325T.
Identifiers: ClinVar variation 1469206 (VCV001469206.8), dbSNP rs2110154633, ClinGen allele CA357705525.